The following is an entry in ClinVar:

NM_005573.4(LMNB1):c.676C>T (p.Arg226Cys)

Gene: LMNB1 (lamin B1; plus strand). Cytogenetic location: 5q23.2.
Variant type: single nucleotide variant.
Coding change: c.676C>T on transcript NM_005573.4 (MANE Select); coding-DNA position 676, C replaced by T.
Protein change: p.Arg226Cys; replaces arginine 226 with cysteine.
Molecular consequence: missense variant. On other transcripts: non-coding transcript variant (1).
Genome position (GRCh38, 1-based): chr5:126,810,213, C>T. VCF-style: chr5-126810213-C-T. GRCh37 (hg19) VCF-style: chr5-126145905-C-T.
Other names: c.46C>T, p.Arg16Cys (NM_001198557.2); short protein forms R226C, R16C.
Identifiers: ClinVar variation 350615 (VCV000350615.16), dbSNP rs142016804, ClinGen allele CA3390531.

ClinVar aggregate classification (germline): Conflicting classifications of pathogenicity. Review status: criteria provided, conflicting classifications (1 of 4 stars). 6 submissions from 6 submitters: Uncertain significance (2); Benign (1); Likely benign (1). 2 of the submissions do not count toward it. Last evaluated 2025-10-13.

Conditions:
Adult-onset autosomal dominant demyelinating leukodystrophy. Identifiers: Orphanet 99027, MedGen C1868512, MONDO:0008215.

Allele frequency attached by ClinVar (database versions not stated): gnomAD 0.00031 and 0.00032; gnomAD exomes 0.00048 and 0.00026; ESP Exome Variant Server 0.00069; ExAC 0.00020; TOPMed 0.00027.

Submissions (6):

Labcorp Genetics (formerly Invitae), Labcorp
Classification: Uncertain significance. Last evaluated: 2025-10-13. Review status: criteria provided, single submitter. Criteria: Invitae Variant Classification Sherloc (09022015). Collection method: clinical testing. Allele origin: germline.
Comment: This sequence change replaces arginine, which is basic and polar, with cysteine, which is neutral and slightly polar, at codon 226 of the LMNB1 protein (p.Arg226Cys). This variant is present in population databases (rs142016804, gnomAD 0.05%), and has an allele count higher than expected for a pathogenic variant. This variant has not been reported in the literature in individuals affected with LMNB1-related conditions. ClinVar contains an entry for this variant (Variation ID: 350615). Invitae Evidence Modeling of protein sequence and biophysical properties (such as structural, functional, and spatial information, amino acid conservation, physicochemical variation, residue mobility, and thermodynamic stability) indicates that this missense variant is expected to disrupt LMNB1 protein function with a positive predictive value of 80%. In summary, the available evidence is currently insufficient to determine the role of this variant in disease. Therefore, it has been classified as a Variant of Uncertain Significance.

Blueprint Genetics
Classification: Likely benign. Last evaluated: 2024-10-02. Review status: criteria provided, single submitter. Criteria: ACMG Guidelines, 2015. Collection method: clinical testing. Allele origin: germline.

Genomic Research Center, Shahid Beheshti University of Medical Sciences
Classification: Uncertain significance for Leukodystrophy, adult-onset, autosomal dominant. Last evaluated: 2019-04-27. Review status: criteria provided, single submitter. Criteria: ACMG Guidelines, 2015. Collection method: clinical testing. Allele origin: unknown. Affected: yes.

Illumina Laboratory Services, Illumina
Classification: Benign for Leukodystrophy, demyelinating, adult-onset, autosomal dominant, typical. Last evaluated: 2018-01-12. Review status: criteria provided, single submitter. Criteria: ICSL Variant Classification Criteria 13 December 2019. Collection method: clinical testing. Allele origin: germline.
Comment: This variant was observed in the ICSL laboratory as part of a predisposition screen in an ostensibly healthy population. It had not been previously curated by ICSL or reported in the Human Gene Mutation Database (HGMD: prior to June 1st, 2018), and was therefore a candidate for classification through an automated scoring system. Utilizing variant allele frequency, disease prevalence and penetrance estimates, and inheritance mode, an automated score was calculated to assess if this variant is too frequent to cause the disease. Based on the score and internal cut-off values, a variant classified as benign is not then subjected to further curation. The score for this variant resulted in a classification of benign for this disease.

Clinical Genetics DNA and cytogenetics Diagnostics Lab, Erasmus MC, Erasmus Medical Center
Classification: Uncertain significance. Review status: no assertion criteria provided. Collection method: clinical testing. Allele origin: germline. Affected: yes. Study: VKGL Data-share Consensus. Not counted in ClinVar's aggregate classification.

Laboratory of Diagnostic Genome Analysis, Leiden University Medical Center (LUMC)
Classification: Uncertain significance. Review status: no assertion criteria provided. Collection method: clinical testing. Allele origin: germline. Affected: yes. Study: VKGL Data-share Consensus. Not counted in ClinVar's aggregate classification.